The following is an entry in ClinVar:

NM_004655.4(AXIN2):c.799G>C (p.Val267Leu)

Gene: AXIN2 (axin 2; minus strand). Cytogenetic location: 17q24.1.
Variant type: single nucleotide variant.
Coding change: c.799G>C on transcript NM_004655.4 (MANE Select); coding-DNA position 799, G replaced by C.
Protein change: p.Val267Leu; replaces valine 267 with leucine.
Molecular consequence: missense variant.
Genome position (GRCh38, 1-based): chr17:65,557,822, C>G on the plus strand (G>C on the coding strand, the complement: AXIN2 is on the minus strand). VCF-style: chr17-65557822-C-G. GRCh37 (hg19) VCF-style: chr17-63553940-C-G.
Other names: c.799G>C (LRG_296t1); c.799G>C, p.Val267Leu (NM_001363813.1); short protein forms V267L.
Identifiers: ClinVar variation 240032 (VCV000240032.15), dbSNP rs878854735, ClinGen allele CA10583659.

ClinVar aggregate classification (germline): Conflicting classifications of pathogenicity. Review status: criteria provided, conflicting classifications (1 of 4 stars). 3 submissions from 3 submitters: Uncertain significance (2); Benign (1). Last evaluated 2025-12-03.

Conditions:
Hereditary cancer-predisposing syndrome. Also called: Neoplastic Syndromes, Hereditary; Hereditary neoplastic syndrome; Tumor predisposition; Hereditary Cancer Syndrome. Identifiers: Orphanet 140162, MedGen C0027672, MeSH D009386, MONDO:0015356.
Oligodontia-cancer predisposition syndrome. Also called: TOOTH AGENESIS-COLORECTAL CANCER SYNDROME. Identifiers: Orphanet 300576, MedGen C1837750, MONDO:0012075, OMIM 608615. Disease mechanism: loss of function.

Allele frequency attached by ClinVar (database versions not stated): gnomAD 0.00002; TOPMed 0.00002.
gnomAD v4.1: 53 of 1,614,108 alleles (0.0033%); highest among the groups gnomAD compares: Non-Finnish European, 0.0042%; no homozygotes.

Submissions (3):

Labcorp Genetics (formerly Invitae), Labcorp
Classification: Uncertain significance for Oligodontia-cancer predisposition syndrome. Last evaluated: 2025-12-03. Review status: criteria provided, single submitter. Criteria: Invitae Variant Classification Sherloc (09022015). Collection method: clinical testing. Allele origin: germline.
Comment: This sequence change replaces valine, which is neutral and non-polar, with leucine, which is neutral and non-polar, at codon 267 of the AXIN2 protein (p.Val267Leu). This variant is not present in population databases (gnomAD no frequency). This variant has not been reported in the literature in individuals affected with AXIN2-related conditions. ClinVar contains an entry for this variant (Variation ID: 240032). Invitae Evidence Modeling of protein sequence and biophysical properties (such as structural, functional, and spatial information, amino acid conservation, physicochemical variation, residue mobility, and thermodynamic stability) indicates that this missense variant is not expected to disrupt AXIN2 protein function with a negative predictive value of 80%. In summary, the available evidence is currently insufficient to determine the role of this variant in disease. Therefore, it has been classified as a Variant of Uncertain Significance.

Ambry Genetics
Classification: Benign for Hereditary cancer-predisposing syndrome. Last evaluated: 2023-12-21. Review status: criteria provided, single submitter. Criteria: Ambry Variant Classification Scheme 2023. Collection method: clinical testing. Allele origin: germline.

GeneDx
Classification: Uncertain significance. Last evaluated: 2023-10-24. Review status: criteria provided, single submitter. Criteria: GeneDx Variant Classification Process June 2021. Collection method: clinical testing. Allele origin: germline. Affected: yes.
Comment: Not observed at significant frequency in large population cohorts (gnomAD); In silico analysis supports that this missense variant does not alter protein structure/function; Has not been previously published as pathogenic or benign to our knowledge